The following is an entry in ClinVar:

ClinVar aggregate classification (germline): Uncertain significance (1 of 4 stars; one submission).

Conditions:
Renal cell carcinoma. Identifiers: Orphanet 217071, MedGen C0007134, MeSH D002292, MONDO:0005086, HP:0005584.

Submission:

Labcorp Genetics (formerly Invitae), Labcorp
Classification: Uncertain significance for Renal cell carcinoma. Last evaluated: 2015-11-20. Review status: criteria provided, single submitter. Criteria: Invitae Variant Classification Sherloc (09022015). Collection method: clinical testing. Allele origin: germline.
Comment: In summary, this is a novel missense change with uncertain impact on protein function. It has been classified as a Variant of Uncertain Significance. This variant is not present in population databases (ExAC no frequency) and has not been reported in the literature. Algorithms developed to predict the effect of missense changes on protein structure and function do not agree on the potential impact of this missense change (SIFT: "Deleterious"; PolyPhen-2: "Probably Damaging"; Align-GVGD: "Class C0"). This sequence change replaces glycine with glutamic acid at codon 1181 of the MET protein (p.Gly1181Glu). The glycine residue is highly conserved and there is a moderate physicochemical difference between glycine and glutamic acid.

NM_000245.4(MET):c.3488G>A (p.Gly1163Glu)

Gene: MET (MET proto-oncogene, receptor tyrosine kinase; plus strand). Cytogenetic location: 7q31.2.
Variant type: single nucleotide variant.
Coding change: c.3488G>A on transcript NM_000245.4 (MANE Select); coding-DNA position 3488, G replaced by A.
Protein change: p.Gly1163Glu; replaces glycine 1163 with glutamic acid.
Molecular consequence: missense variant.
Genome position (GRCh38, 1-based): chr7:116,778,923, G>A. VCF-style: chr7-116778923-G-A. GRCh37 (hg19) VCF-style: chr7-116418977-G-A.
Other names: c.3542G>A (LRG_662t1); c.3542G>A, p.Gly1181Glu (NM_001127500.3); c.2198G>A, p.Gly733Glu (NM_001324402.2); short protein forms G1181E, G733E, G1163E.
Identifiers: ClinVar variation 246641 (VCV000246641.9), dbSNP rs879254338, ClinGen allele CA10584668.